The following is an entry in ClinVar:

ClinVar aggregate classification (germline): Pathogenic/Likely pathogenic. Review status: criteria provided, multiple submitters, no conflicts (2 of 4 stars). 4 submissions from 4 submitters: Pathogenic (1); Likely pathogenic (3). Last evaluated 2025-08-03.

Conditions:
Neurofibromatosis, type 1 (NF1). Also called: Neurofibromatosis, type I; Peripheral type neurofibromatosis; VON RECKLINGHAUSEN DISEASE; NEUROFIBROMATOSIS, TYPE I, SOMATIC. Identifiers: Orphanet 636, MedGen C0027831, MONDO:0018975, OMIM 162200. Disease mechanism: loss of function.
Hereditary cancer-predisposing syndrome. Also called: Neoplastic Syndromes, Hereditary; Hereditary neoplastic syndrome; Tumor predisposition; Hereditary Cancer Syndrome. Identifiers: Orphanet 140162, MedGen C0027672, MeSH D009386, MONDO:0015356.
Cardiovascular phenotype. Identifiers: MedGen CN230736.
Juvenile myelomonocytic leukemia (JMML). Also called: LEUKEMIA, JUVENILE MYELOMONOCYTIC, SOMATIC. Identifiers: Orphanet 86834, MedGen C0349639, MONDO:0011908, OMIM 607785, HP:0012209.

Submissions (4):

Labcorp Genetics (formerly Invitae), Labcorp
Classification: Pathogenic for Neurofibromatosis, type 1. Last evaluated: 2025-08-03. Review status: criteria provided, single submitter. Criteria: Invitae Variant Classification Sherloc (09022015). Collection method: clinical testing. Allele origin: germline.
Comment: This sequence change replaces arginine, which is basic and polar, with isoleucine, which is neutral and non-polar, at codon 1391 of the NF1 protein (p.Arg1391Ile). This variant is not present in population databases (gnomAD no frequency). This missense change has been observed in individual(s) with clinical features of neurofibromatosis type 1 (internal data). In at least one individual the variant was observed to be de novo. Invitae Evidence Modeling of clinical and family history, age, sex, and reported ancestry of multiple individuals with this NF1 variant has been performed. This variant is expected to be pathogenic with a positive predictive value of at least 99%. This is a validated machine learning model that incorporates the clinical features of 1,785,918 individuals referred to our laboratory for NF1 testing. ClinVar contains an entry for this variant (Variation ID: 2013853). Invitae Evidence Modeling of protein sequence and biophysical properties (such as structural, functional, and spatial information, amino acid conservation, physicochemical variation, residue mobility, and thermodynamic stability) indicates that this missense variant is expected to disrupt NF1 protein function with a positive predictive value of 95%. This variant disrupts the p.Arg1391 amino acid residue in NF1. Other variant(s) that disrupt this residue have been determined to be pathogenic (PMID: 7581973, 9003501, 16513807, 22807134, 27322474; internal data). This suggests that this residue is clinically significant, and that variants that disrupt this residue are likely to be disease-causing. For these reasons, this variant has been classified as Pathogenic.

Ambry Genetics
Classification: Likely pathogenic for Cardiovascular phenotype; Hereditary cancer-predisposing syndrome. Last evaluated: 2024-09-25. Review status: criteria provided, single submitter. Criteria: Ambry Variant Classification Scheme 2023. Collection method: clinical testing. Allele origin: germline.
Comment: The p.R1391I variant (also known as c.4172G>T), located in coding exon 31 of the NF1 gene, results from a G to T substitution at nucleotide position 4172. The arginine at codon 1391 is replaced by isoleucine, an amino acid with similar properties. This variant has been observed in at least one individual with a personal and/or family history that is consistent with neurofibromatosis type 1 (Ambry internal data). Another variant at the same codon, p.R1391T (c.4172G>C), has been identified in multiple individuals who met clinical criteria for neurofibromatosis type 1 (van Minkelen R et al. Clin Genet, 2014 Apr;85:318-27; Xu W et al. Int J Mol Med, 2014 Jul;34:53-60; Evans DG et al. EBioMedicine, 2016 May;7:212-20). Based on internal structural analysis, R1391I disrupts an invariant arginine which participates in intramolecular interactions critical to proper function (Ambry internal data; Scheffzek K et al. Science, 1997 Jul;277:333-8; Sermon BA et al. J Biol Chem, 1998 Apr;273:9480-5; Naschberger A et al. Nature, 2021 Nov;599:315-319). This amino acid position is highly conserved in available vertebrate species. In addition, this alteration is predicted to be deleterious by in silico analysis. This variant is considered to be rare based on population cohorts in the Genome Aggregation Database (gnomAD). Based on the majority of available evidence to date, this variant is likely to be pathogenic.

GeneDx
Classification: Likely pathogenic. Last evaluated: 2023-10-23. Review status: criteria provided, single submitter. Criteria: GeneDx Variant Classification Process June 2021. Collection method: clinical testing. Allele origin: germline. Affected: yes.
Comment: Not observed at significant frequency in large population cohorts (gnomAD); In silico analysis supports that this missense variant has a deleterious effect on protein structure/function; Has not been previously published as pathogenic or benign to our knowledge; This variant is associated with the following publications: (PMID: 25486365, 22807134)

Baylor Genetics
Classification: Likely pathogenic for Juvenile myelomonocytic leukemia. Last evaluated: 2023-02-23. Review status: criteria provided, single submitter. Criteria: ACMG Guidelines, 2015. Collection method: clinical testing. Allele origin: unknown.

Literature cited by the submitters: PubMed 7581973 (cited by Labcorp Genetics (formerly Invitae), Labcorp); PubMed 9003501 (cited by Labcorp Genetics (formerly Invitae), Labcorp); PubMed 16513807 (cited by Labcorp Genetics (formerly Invitae), Labcorp); PubMed 22807134 (cited by Labcorp Genetics (formerly Invitae), Labcorp); PubMed 27322474 (cited by Labcorp Genetics (formerly Invitae), Labcorp); PubMed 34707296 (cited by Ambry Genetics); PubMed 9219684 (cited by Ambry Genetics); PubMed 9545275 (cited by Ambry Genetics).

NM_001042492.3(NF1):c.4235G>T (p.Arg1412Ile)

Gene: NF1 (neurofibromin 1; plus strand). Cytogenetic location: 17q11.2.
Variant type: single nucleotide variant.
Coding change: c.4235G>T on transcript NM_001042492.3 (MANE Select); coding-DNA position 4235, G replaced by T.
Protein change: p.Arg1412Ile; replaces arginine 1412 with isoleucine.
Molecular consequence: missense variant.
Genome position (GRCh38, 1-based): chr17:31,258,405, G>T. VCF-style: chr17-31258405-G-T. GRCh37 (hg19) VCF-style: chr17-29585423-G-T.
Other names: c.4172G>T, p.Arg1391Ile (NM_000267.4); short protein forms R1391I, R1412I.
Identifiers: ClinVar variation 2013853 (VCV002013853.7), dbSNP rs1555618516, ClinGen allele CA398997841.